The following is an entry in ClinVar:

ClinVar aggregate classification (germline): Pathogenic (1 of 4 stars; one submission).

Submission:

GeneDx
Classification: Pathogenic. Last evaluated: 2024-03-08. Review status: criteria provided, single submitter. Criteria: GeneDx Variant Classification Process June 2021. Collection method: clinical testing. Allele origin: germline. Affected: yes.
Comment: De novo variant with and without confirmed parentage in patients with features consistent with KCNH1-related neurodevelopmental disorder with multiple anomalies in published literature (PMID: 31957018, 32056211); Not observed at significant frequency in large population cohorts (gnomAD); In silico analysis supports that this missense variant has a deleterious effect on protein structure/function; This variant is associated with the following publications: (PMID: 36285361, 36403551, 32056211, 31957018)

NM_172362.3(KCNH1):c.1474G>A (p.Ala492Thr)

Gene: KCNH1 (potassium voltage-gated channel subfamily H member 1; minus strand). Cytogenetic location: 1q32.2.
Variant type: single nucleotide variant.
Coding change: c.1474G>A on transcript NM_172362.3 (MANE Select); coding-DNA position 1474, G replaced by A.
Protein change: p.Ala492Thr; replaces alanine 492 with threonine.
Molecular consequence: missense variant.
Genome position (GRCh38, 1-based): chr1:210,804,155, C>T on the plus strand (G>A on the coding strand, the complement: KCNH1 is on the minus strand). VCF-style: chr1-210804155-C-T. GRCh37 (hg19) VCF-style: chr1-210977497-C-T.
Other names: c.1393G>A, p.Ala465Thr (NM_002238.4); short protein forms A465T, A492T.
Identifiers: ClinVar variation 3340366 (VCV003340366.1).